The following is an entry in ClinVar:

ClinVar aggregate classification (germline): Benign/Likely benign. Review status: criteria provided, single submitter (1 of 4 stars). 2 submissions from 1 submitter: Benign (1); Likely benign (1). Last evaluated 2018-01-12.

Conditions:
Cone-rod dystrophy 16 (CORD16). Identifiers: MedGen C3281045, MONDO:0013786, OMIM 614500.
Retinitis pigmentosa (RP). Identifiers: Orphanet 791, MedGen C0035334, MeSH D012174, MONDO:0019200, OMIM 268000. Inheritance: Autosomal dominant, autosomal recessive and X linked inheritance.

Allele frequency attached by ClinVar (database versions not stated): TOPMed 0.00733; 1000 Genomes Project 0.01018; 1000 Genomes Project 30x 0.01124.

Submissions (2):

Illumina Laboratory Services, Illumina
Classification: Likely benign for Retinitis pigmentosa. Last evaluated: 2018-01-12. Review status: criteria provided, single submitter. Criteria: ICSL Variant Classification Criteria 13 December 2019. Collection method: clinical testing. Allele origin: germline.
Comment: This variant was observed in the ICSL laboratory as part of a predisposition screen in an ostensibly healthy population. It had not been previously curated by ICSL or reported in the Human Gene Mutation Database (HGMD: prior to June 1st, 2018), and was therefore a candidate for classification through an automated scoring system. Utilizing variant allele frequency, disease prevalence and penetrance estimates, and inheritance mode, an automated score was calculated to assess if this variant is too frequent to cause the disease. Based on the score and internal cut-off values, a variant classified as likely benign is not then subjected to further curation. The score for this variant resulted in a classification of likely benign for this disease.

Illumina Laboratory Services, Illumina
Classification: Benign for Cone-rod dystrophy 16. Last evaluated: 2018-01-12. Review status: criteria provided, single submitter. Criteria: ICSL Variant Classification Criteria 13 December 2019. Collection method: clinical testing. Allele origin: germline.
Comment: This variant was observed in the ICSL laboratory as part of a predisposition screen in an ostensibly healthy population. It had not been previously curated by ICSL or reported in the Human Gene Mutation Database (HGMD: prior to June 1st, 2018), and was therefore a candidate for classification through an automated scoring system. Utilizing variant allele frequency, disease prevalence and penetrance estimates, and inheritance mode, an automated score was calculated to assess if this variant is too frequent to cause the disease. Based on the score and internal cut-off values, a variant classified as benign is not then subjected to further curation. The score for this variant resulted in a classification of benign for this disease.

NM_177965.4(CFAP418):c.*1811A>G

Gene: CFAP418 (cilia and flagella associated protein 418; minus strand). Cytogenetic location: 8q22.1.
Variant type: single nucleotide variant.
Coding change: c.*1811A>G on transcript NM_177965.4 (MANE Select); 1811 bases downstream of the stop codon, A replaced by G.
Molecular consequence: 3 prime UTR variant.
Genome position (GRCh38, 1-based): chr8:95,245,806, T>C on the plus strand (A>G on the coding strand, the complement: CFAP418 is on the minus strand). VCF-style: chr8-95245806-T-C. GRCh37 (hg19) VCF-style: chr8-96258034-T-C.
Other names: c.*1811A>G (NM_001363260.1).
Identifiers: ClinVar variation 915106 (VCV000915106.4), dbSNP rs114732021, ClinGen allele CA182087927.